The following is an entry in ClinVar:

NM_001080453.3(INTS1):c.2079G>C (p.Val693=)

Gene: INTS1 (integrator complex subunit 1; minus strand). Cytogenetic location: 7p22.3.
Variant type: single nucleotide variant.
Coding change: c.2079G>C on transcript NM_001080453.3 (MANE Select); coding-DNA position 2079, G replaced by C.
Protein change: p.Val693=; no amino-acid change (valine 693 retained).
Molecular consequence: synonymous variant.
Genome position (GRCh38, 1-based): chr7:1,493,096, C>G on the plus strand (G>C on the coding strand, the complement: INTS1 is on the minus strand). VCF-style: chr7-1493096-C-G. GRCh37 (hg19) VCF-style: chr7-1532732-C-G.
Identifiers: ClinVar variation 2657206 (VCV002657206.24), dbSNP rs762086646, ClinGen allele CA4120020.
Genomic context (GRCh38, chr7:1,493,096, plus strand): 5'-GTGATGGTAGGTGCACAGATTCAGAACGGCGTCGATCAGCTGGGTCCTCCCCACCTTCAG[C>G]ACCTCCACATCTAAGACCAAGAGCCACACATGGGTTCTGGGGCTGCTCACAGACCATCAG-3'
Protein context (NP_001073922.2, residues 683-703): AAAVQADDVE[Val693=]LKVGRTQLID

ClinVar aggregate classification (germline): Likely benign (1 of 4 stars; one submission).

Allele frequency attached by ClinVar (database versions not stated): gnomAD 0.00001; gnomAD exomes 0.00003; ExAC 0.00005; TOPMed 0.00005.
gnomAD v4.1: 45 of 1,613,176 alleles (0.0028%); highest among the groups gnomAD compares: Middle Eastern, 0.066%; no homozygotes.

Submission:

CeGaT Center for Human Genetics Tuebingen
Classification: Likely benign. Last evaluated: 2025-11-01. Review status: criteria provided, single submitter. Criteria: CeGaT Center For Human Genetics Tuebingen Variant Classification Criteria Version 2. Collection method: clinical testing. Allele origin: germline. Affected: yes. Observed: 2 variant alleles.
Comment: INTS1: BP4, BP7